The following is an entry in ClinVar:

ClinVar aggregate classification (germline): Likely benign. Review status: criteria provided, multiple submitters, no conflicts (2 of 4 stars). 3 submissions from 3 submitters: Likely benign (3). Last evaluated 2026-04-19.

Conditions:
CC2D2A-related disorder. Also called: CC2D2A-related disorders; CC2D2A-related condition. Identifiers: MedGen CN239313.
Joubert syndrome. Also called: JOUBERT-BOLTSHAUSER SYNDROME; Familial aplasia of the vermis. Identifiers: Orphanet 475, MedGen C5979921, MONDO:0018772.
Meckel-Gruber syndrome. Also called: Dysencephalia splachnocystica; DYSENCEPHALIA SPLANCHNOCYSTICA; GRUBER SYNDROME. Identifiers: Orphanet 564, MedGen C0265215, MONDO:0018921.

Allele frequency attached by ClinVar (database versions not stated): gnomAD exomes 0.00001; TOPMed 0.00001; gnomAD 0.00002.
gnomAD v4.1: 21 of 1,551,344 alleles (0.0014%); highest among the groups gnomAD compares: Non-Finnish European, 0.0018%; no homozygotes.

Submissions (3):

PreventionGenetics, part of Exact Sciences
Classification: Likely benign for CC2D2A-related condition. Last evaluated: 2026-04-19. Review status: criteria provided, single submitter. Criteria: ACMG Guidelines, 2015. Collection method: clinical testing. Allele origin: germline.
Comment: This variant is classified as likely benign based on ACMG/AMP sequence variant interpretation guidelines (Richards et al. 2015 PMID: 25741868, with internal and published modifications).

Labcorp Genetics (formerly Invitae), Labcorp
Classification: Likely benign for Joubert syndrome; Meckel-Gruber syndrome. Last evaluated: 2025-12-03. Review status: criteria provided, single submitter. Criteria: Invitae Variant Classification Sherloc (09022015). Collection method: clinical testing. Allele origin: germline.

Blueprint Genetics
Classification: Likely benign. Last evaluated: 2018-03-07. Review status: criteria provided, single submitter. Criteria: ACMG Guidelines, 2015. Collection method: clinical testing. Allele origin: germline.

NM_001378615.1(CC2D2A):c.2904A>T (p.Val968=)

Genes: CC2D2A (coiled-coil and C2 domain containing 2A; plus strand), FBXL5 (F-box and leucine rich repeat protein 5; minus strand). Cytogenetic location: 4p15.32.
Variant type: single nucleotide variant.
Coding change: c.2904A>T on transcript NM_001378615.1 (MANE Select); coding-DNA position 2904, A replaced by T.
Protein change: p.Val968=; no amino-acid change (valine 968 retained).
Molecular consequence: synonymous variant.
Genome position (GRCh38, 1-based): chr4:15,559,239, A>T. VCF-style: chr4-15559239-A-T. GRCh37 (hg19) VCF-style: chr4-15560862-A-T.
Other names: c.2904A>T, p.Val968= (NM_001080522.2); c.2757A>T, p.Val919= (NM_001378617.1).
Identifiers: ClinVar variation 699958 (VCV000699958.11), dbSNP rs1457559560, ClinGen allele CA438382421.
Genomic context (GRCh38, chr4:15,559,239, plus strand): 5'-GTTACGAGACAGAAATGTAATAGAAACCAAGGAACACATAGACACCCATAGGGCCATAGT[A>T]GCCAAGTACCTCCAGCAGGTAAGAAAAATCATATAAAACTGTCTTCATAGGGAGAAAAGA-3'
Protein context (NP_001365544.1, residues 958-978): KEHIDTHRAI[Val968=]AKYLQQVRES